The following is an entry in ClinVar:

NM_000545.8(HNF1A):c.71_72del (p.Glu24fs)

Gene: HNF1A (HNF1 homeobox A; plus strand). Cytogenetic location: 12q24.31.
Variant type: Microsatellite.
Coding change: c.71_72del on transcript NM_000545.8 (MANE Select); coding-DNA positions 71 to 72, 2 bases deleted (AG; older notation c.71_72delAG).
Protein change: p.Glu24fs; shifts the reading frame from glutamic acid 24.
Molecular consequence: frameshift variant.
Genome position (GRCh38, 1-based): chr12:120,978,839-120,978,840, AG deleted; deleting any 2 consecutive bases within chr12:120,978,837-120,978,840 gives the same sequence; the c. name uses the placement nearest the transcript's 3' end. VCF-style (leftmost placement, unchanged base first): chr12-120978836-AAG-A. GRCh37 (hg19) VCF-style: chr12-121416639-AAG-A.
Other names: NM_001306179.2:c.71_72del; c.71_72del, p.Glu24fs (NM_001306179.2); short protein forms E24fs.
Identifiers: ClinVar variation 1675058 (VCV001675058.3), dbSNP rs2135819527, ClinGen allele CA2573051032.

ClinVar aggregate classification (germline): Pathogenic (3 of 4 stars; one submission).

Conditions:
Monogenic diabetes. Identifiers: Orphanet 183625, MedGen C3888631, MONDO:0015967.

Submission:

ClinGen Monogenic Diabetes Variant Curation Expert Panel
Classification: Pathogenic for Monogenic diabetes. Last evaluated: 2022-04-01. Review status: reviewed by expert panel. Criteria: ClinGen Diabetes ACMG Specifications v1 1. Collection method: curation. Allele origin: germline. Inheritance: Autosomal dominant inheritance.
Comment: The c.71_72delAG variant in the HNF1 homeobox A gene, HNF1A, is a two base pair deletion resulting in a frameshift in the protein at codon 24 in NM_000545.8, adding 8 novel amino acids before encountering a stop codon (p.(Glu24GlyfsTer8)). This variant, located in biologically-relevant exon 1 of 10, is predicted to lead to nonsense mediated decay in a gene in which loss-of-function is an established disease mechanism (PVS1; PMID: 23348805). Additionally, this variant is absent from gnomAD v2.1.1 (PM2_Supporting). This variant segregated with diabetes, with three informative meioses in one family (PP1; PMID: 12453976). In summary, this variant meets the criteria to be classified as pathogenic for monogenic diabetes. ACMG/AMP criteria applied, as specified by the ClinGen MDEP (specification version 1.1, approved 9/30/2021): PVS1, PM2_Supporting, PP1.